The following is an entry in ClinVar:

NM_000553.6(WRN):c.3381_3383+76del

Gene: WRN (WRN RecQ like helicase; plus strand). Cytogenetic location: 8p12.
Variant type: Deletion.
Coding change: c.3381_3383+76del on transcript NM_000553.6 (MANE Select); coding-DNA position 3381 through 76 bases into the intron after coding-DNA position 3383, 79 bases deleted.
Molecular consequence: splice donor variant.
Genome position (GRCh38, 1-based): chr8:31,143,621-31,143,699, 79 bases deleted. GRCh37 (hg19): chr8:31,001,137-31,001,215.
Other names: c.3381_3383+76delAAGGTACAGAGTTCCATATTTCTATGTTCTATACTTGCTTTATGAGTACTTTTTTTTCTAAAGAGAAAGAACTGTCAGA (NM_000553.4).
Identifiers: ClinVar variation 656954 (VCV000656954.6), dbSNP rs1585517902, ClinGen allele CA915945647.

ClinVar aggregate classification (germline): Likely pathogenic. Review status: criteria provided, multiple submitters, no conflicts (2 of 4 stars). 2 submissions from 2 submitters: Likely pathogenic (2). Last evaluated 2024-04-11.

Conditions:
Werner syndrome (WRN). Identifiers: Orphanet 902, MedGen C0043119, MONDO:0010196, OMIM 277700.

Submissions (2):

Labcorp Genetics (formerly Invitae), Labcorp
Classification: Likely pathogenic for Werner syndrome. Last evaluated: 2024-04-11. Review status: criteria provided, single submitter. Criteria: Invitae Variant Classification Sherloc (09022015). Collection method: clinical testing. Allele origin: germline.
Comment: This variant results in the deletion of part of exon 28 (c.3381_3383+76del) of the WRN gene. RNA analysis indicates that this variant induces altered splicing and may result in an absent or disrupted protein product. This variant is not present in population databases (gnomAD no frequency). This variant has not been reported in the literature in individuals affected with WRN-related conditions. ClinVar contains an entry for this variant (Variation ID: 656954). Studies have shown that this variant results in skipping of exon 28 and introduces a premature termination codon (Invitae). The resulting mRNA is expected to undergo nonsense-mediated decay. In summary, the currently available evidence indicates that the variant is pathogenic, but additional data are needed to prove that conclusively. Therefore, this variant has been classified as Likely Pathogenic.

Baylor Genetics
Classification: Likely pathogenic for Werner syndrome. Last evaluated: 2023-04-05. Review status: criteria provided, single submitter. Criteria: ACMG Guidelines, 2015. Collection method: clinical testing. Allele origin: unknown.